The following is an entry in ClinVar:

ClinVar aggregate classification (germline): Uncertain significance. Review status: criteria provided, multiple submitters, no conflicts (2 of 4 stars). 6 submissions from 6 submitters: Uncertain significance (6). Last evaluated 2026-01-13.

Conditions:
Mitochondrial complex 2 deficiency, nuclear type 4. Also called: MITOCHONDRIAL COMPLEX II DEFICIENCY, NUCLEAR TYPE 4. Identifiers: MedGen C5543176, MONDO:0030974, OMIM 619224.
Carney-Stratakis syndrome. Also called: PARAGANGLIOMA AND GASTROINTESTINAL STROMAL TUMOR. Identifiers: Orphanet 97286, MedGen C1847319, MONDO:0011740, OMIM 606864.
Pheochromocytoma/paraganglioma syndrome 4. Also called: CAROTID BODY TUMORS AND MULTIPLE EXTRAADRENAL PHEOCHROMOCYTOMAS; PARAGANGLIOMA, FAMILIAL MALIGNANT; PARAGANGLIOMAS, HEREDITARY EXTRAADRENAL; PHEOCHROMOCYTOMA, FAMILIAL EXTRAADRENAL; Paragangliomas 4; SDHB-Related Hereditary Paraganglioma-Pheochromocytoma Syndrome (Paragangliomas 4). Identifiers: Orphanet 29072, MedGen C1861848, MONDO:0007273, OMIM 115310.
Pheochromocytoma. Also called: MAX-Related Hereditary Paraganglioma-Pheochromocytoma Syndrome. Identifiers: Orphanet 29072, MedGen C0031511, MONDO:0008233, OMIM 171300, HP:0002666.
Gastrointestinal stromal tumor. Also called: Gastrointestinal stromal tumor, somatic; Gastrointestinal stroma tumor. Identifiers: Orphanet 44890, MedGen C0238198, MeSH D046152, MONDO:0011719, OMIM 606764, HP:0100723.
Hereditary cancer-predisposing syndrome. Also called: Tumor predisposition; Hereditary neoplastic syndrome; Hereditary Cancer Syndrome; Neoplastic Syndromes, Hereditary. Identifiers: Orphanet 140162, MedGen C0027672, MeSH D009386, MONDO:0015356.
Hereditary pheochromocytoma and paraganglioma. Also called: Hereditary paragangliomas and pheochromocytomas; Hereditary pheochromocytoma-paraganglioma; Hereditary Paraganglioma-Pheochromocytoma Syndromes. Identifiers: Orphanet 29072, MedGen C4274332, MONDO:0017366.

Allele frequency attached by ClinVar (database versions not stated): ExAC 0.00001; gnomAD exomes 0.00001; TOPMed 0.00001; gnomAD 0.00003.
gnomAD v4.1: 10 of 1,611,098 alleles (0.00062%); highest among the groups gnomAD compares: East Asian, 0.0022%; no homozygotes.

Submissions (6):

Labcorp Genetics (formerly Invitae), Labcorp
Classification: Uncertain significance for Gastrointestinal stromal tumor; Pheochromocytoma/paraganglioma syndrome 4; Pheochromocytoma. Last evaluated: 2026-01-13. Review status: criteria provided, single submitter. Criteria: Invitae Variant Classification Sherloc (09022015). Collection method: clinical testing. Allele origin: germline.
Comment: This sequence change replaces glycine, which is neutral and non-polar, with arginine, which is basic and polar, at codon 182 of the SDHB protein (p.Gly182Arg). This variant is present in population databases (rs201928318, gnomAD 0.005%). This variant has not been reported in the literature in individuals affected with SDHB-related conditions. ClinVar contains an entry for this variant (Variation ID: 412487). Invitae Evidence Modeling of protein sequence and biophysical properties (such as structural, functional, and spatial information, amino acid conservation, physicochemical variation, residue mobility, and thermodynamic stability) indicates that this missense variant is expected to disrupt SDHB protein function with a positive predictive value of 80%. RNA analysis performed to evaluate the impact of this missense change on mRNA splicing indicates it does not significantly alter splicing (internal data). In summary, the available evidence is currently insufficient to determine the role of this variant in disease. Therefore, it has been classified as a Variant of Uncertain Significance.

GeneDx
Classification: Uncertain significance. Last evaluated: 2025-09-08. Review status: criteria provided, single submitter. Criteria: GeneDx Variant Classification Process June 2021. Collection method: clinical testing. Allele origin: germline. Affected: yes.
Comment: Not observed at significant frequency in large population cohorts (gnomAD); In silico analysis supports that this missense variant has a deleterious effect on protein structure/function; Has not been previously published as pathogenic or benign to our knowledge

Ambry Genetics
Classification: Uncertain significance for Hereditary cancer-predisposing syndrome. Last evaluated: 2025-08-29. Review status: criteria provided, single submitter. Criteria: Ambry Variant Classification Scheme 2023. Collection method: clinical testing. Allele origin: germline.
Comment: The p.G182R variant (also known as c.544G>A), located in coding exon 6 of the SDHB gene, results from a G to A substitution at nucleotide position 544. The glycine at codon 182 is replaced by arginine, an amino acid with dissimilar properties. This amino acid position is highly conserved in available vertebrate species. In addition, this alteration is predicted to be deleterious by in silico analysis. Based on the available evidence, the clinical significance of this variant remains unclear.

Color Diagnostics, LLC DBA Color Health
Classification: Uncertain significance for Hereditary pheochromocytoma and paraganglioma. Last evaluated: 2025-06-13. Review status: criteria provided, single submitter. Criteria: ACMG Guidelines, 2015. Collection method: clinical testing. Allele origin: germline.
Comment: This missense variant replaces glycine with arginine at codon 182 of the SDHB protein. Computational prediction suggests that this variant may have deleterious impact on protein structure and function. To our knowledge, functional studies have not been reported for this variant. This variant has not been reported in individuals affected with SDHB-related disorders in the literature. This variant has been identified in 4/281324 chromosomes in the general population by the Genome Aggregation Database (gnomAD). The available evidence is insufficient to determine the role of this variant in disease conclusively. Therefore, this variant is classified as a Variant of Uncertain Significance.

CeGaT Center for Human Genetics Tuebingen
Classification: Uncertain significance. Last evaluated: 2023-07-01. Review status: criteria provided, single submitter. Criteria: CeGaT Center For Human Genetics Tuebingen Variant Classification Criteria Version 2. Collection method: clinical testing. Allele origin: germline. Affected: yes. Observed: 1 variant allele.
Comment: SDHB: PM2, PP3

Fulgent Genetics
Classification: Uncertain significance for Pheochromocytoma/paraganglioma syndrome 4; Pheochromocytoma; Gastrointestinal stromal tumor; Carney-Stratakis syndrome; Mitochondrial complex 2 deficiency, nuclear type 4. Last evaluated: 2021-12-02. Review status: criteria provided, single submitter. Criteria: ACMG Guidelines, 2015. Collection method: clinical testing. Allele origin: unknown.

NM_003000.3(SDHB):c.544G>A (p.Gly182Arg)

Gene: SDHB (succinate dehydrogenase complex iron sulfur subunit B; minus strand). Cytogenetic location: 1p36.13.
Variant type: single nucleotide variant.
Coding change: c.544G>A on transcript NM_003000.3 (MANE Select); coding-DNA position 544, G replaced by A.
Protein change: p.Gly182Arg; replaces glycine 182 with arginine.
Molecular consequence: missense variant.
Genome position (GRCh38, 1-based): chr1:17,024,071, C>T on the plus strand (G>A on the coding strand, the complement: SDHB is on the minus strand). VCF-style: chr1-17024071-C-T. GRCh37 (hg19) VCF-style: chr1-17350566-C-T.
Other names: short protein forms G182R.
Identifiers: ClinVar variation 412487 (VCV000412487.44), dbSNP rs201928318, ClinGen allele CA089667.